The following is an entry in ClinVar:

ClinVar aggregate classification (germline): Uncertain significance (1 of 4 stars; one submission).

gnomAD v4.1: 14 of 1,612,328 alleles (0.00087%); highest among the groups gnomAD compares: Non-Finnish European, 0.0011%; no homozygotes.

Submission:

Labcorp Genetics (formerly Invitae), Labcorp
Classification: Uncertain significance. Last evaluated: 2024-09-22. Review status: criteria provided, single submitter. Criteria: Invitae Variant Classification Sherloc (09022015). Collection method: clinical testing. Allele origin: germline.
Comment: This sequence change replaces alanine, which is neutral and non-polar, with aspartic acid, which is acidic and polar, at codon 107 of the GP9 protein (p.Ala107Asp). This variant is not present in population databases (gnomAD no frequency). This variant has not been reported in the literature in individuals affected with GP9-related conditions. An algorithm developed to predict the effect of missense changes on protein structure and function outputs the following: PolyPhen-2: "Benign". The aspartic acid amino acid residue is found in multiple mammalian species, which suggests that this missense change does not adversely affect protein function. In summary, the available evidence is currently insufficient to determine the role of this variant in disease. Therefore, it has been classified as a Variant of Uncertain Significance.

NM_000174.5(GP9):c.320C>A (p.Ala107Asp)

Gene: GP9 (glycoprotein IX platelet; plus strand). Cytogenetic location: 3q21.3.
Variant type: single nucleotide variant.
Coding change: c.320C>A on transcript NM_000174.5 (MANE Select); coding-DNA position 320, C replaced by A.
Protein change: p.Ala107Asp; replaces alanine 107 with aspartic acid.
Molecular consequence: missense variant.
Genome position (GRCh38, 1-based): chr3:129,062,059, C>A. VCF-style: chr3-129062059-C-A. GRCh37 (hg19) VCF-style: chr3-128780902-C-A.
Other names: short protein forms A107D.
Identifiers: ClinVar variation 3704291 (VCV003704291.2).